The following is an entry in ClinVar:

NM_001364857.2(ADGRB2):c.542G>A (p.Arg181His)

Gene: ADGRB2 (adhesion G protein-coupled receptor B2; minus strand). Cytogenetic location: 1p35.2.
Variant type: single nucleotide variant.
Coding change: c.542G>A on transcript NM_001364857.2 (MANE Select); coding-DNA position 542, G replaced by A.
Protein change: p.Arg181His; replaces arginine 181 with histidine.
Molecular consequence: missense variant.
Genome position (GRCh38, 1-based): chr1:31,756,295, C>T on the plus strand (G>A on the coding strand, the complement: ADGRB2 is on the minus strand). VCF-style: chr1-31756295-C-T. GRCh37 (hg19) VCF-style: chr1-32221896-C-T.
Other names: c.542G>A, p.Arg181His (NM_001294335.2, NM_001294336.2); short protein forms R181H.
Identifiers: ClinVar variation 3669827 (VCV003669827.2).

ClinVar aggregate classification (germline): Uncertain significance (1 of 4 stars; one submission).

gnomAD v4.1: 38 of 1,613,070 alleles (0.0024%); highest among the groups gnomAD compares: African/African-American, 0.027%; no homozygotes.

Submission:

Labcorp Genetics (formerly Invitae), Labcorp
Classification: Uncertain significance. Last evaluated: 2024-10-17. Review status: criteria provided, single submitter. Criteria: Invitae Variant Classification Sherloc (09022015). Collection method: clinical testing. Allele origin: germline.
Comment: This sequence change replaces arginine, which is basic and polar, with histidine, which is basic and polar, at codon 181 of the ADGRB2 protein (p.Arg181His). This variant is present in population databases (rs553484048, gnomAD 0.04%). This variant has not been reported in the literature in individuals affected with ADGRB2-related conditions. Experimental studies and prediction algorithms are not available or were not evaluated, and the functional significance of this variant is currently unknown. In summary, the available evidence is currently insufficient to determine the role of this variant in disease. Therefore, it has been classified as a Variant of Uncertain Significance.